The following is an entry in ClinVar:

ClinVar aggregate classification (germline): Uncertain significance. Review status: criteria provided, multiple submitters, no conflicts (2 of 4 stars). 2 submissions from 2 submitters: Uncertain significance (2). Last evaluated 2026-02-16.

Conditions:
Frasier syndrome. Identifiers: Orphanet 347, MedGen C0950122, MeSH D052159, MONDO:0007635, OMIM 136680.
Drash syndrome (DDS). Also called: NEPHROPATHY, WILMS TUMOR, AND GENITAL ANOMALIES; WILMS TUMOR AND PSEUDO- OR TRUE HERMAPHRODITISM. Identifiers: Orphanet 220, MedGen C0950121, MONDO:0008682, OMIM 194080.
Wilms tumor 1 (WT1). Also called: Wilms tumor, somatic. Identifiers: Orphanet 654, MedGen CN033288, MONDO:0008679, OMIM 194070.
11p partial monosomy syndrome (WAGR). Also called: CHROMOSOME 11p13 DELETION SYNDROME; WAGR Spectrum Disorder; WAGR syndrome; WAGR Complex. Identifiers: Orphanet 893, MedGen C0206115, MONDO:0008681, OMIM 194072.
Inborn genetic diseases. Identifiers: MedGen C0950123, MeSH D030342.

Submissions (2):

Ambry Genetics
Classification: Uncertain significance for Inborn genetic diseases. Last evaluated: 2026-02-16. Review status: criteria provided, single submitter. Criteria: Ambry Variant Classification Scheme 2023. Collection method: clinical testing. Allele origin: germline.
Comment: The p.R59H variant (also known as c.176G>A), located in coding exon 1 of the WT1 gene, results from a G to A substitution at nucleotide position 176. The arginine at codon 59 is replaced by histidine, an amino acid with highly similar properties. This amino acid position is conserved. In addition, this alteration is predicted to be tolerated by in silico analysis. Based on the available evidence, the clinical significance of this variant remains unclear.

Labcorp Genetics (formerly Invitae), Labcorp
Classification: Uncertain significance for Wilms tumor 1; Drash syndrome; 11p partial monosomy syndrome; Frasier syndrome. Last evaluated: 2022-06-20. Review status: criteria provided, single submitter. Criteria: Invitae Variant Classification Sherloc (09022015). Collection method: clinical testing. Allele origin: germline.
Comment: In summary, the available evidence is currently insufficient to determine the role of this variant in disease. Therefore, it has been classified as a Variant of Uncertain Significance. Algorithms developed to predict the effect of missense changes on protein structure and function are either unavailable or do not agree on the potential impact of this missense change (SIFT: "Deleterious"; PolyPhen-2: "Benign"; Align-GVGD: "Class C0"). ClinVar contains an entry for this variant (Variation ID: 1010009). This variant has not been reported in the literature in individuals affected with WT1-related conditions. This variant is not present in population databases (gnomAD no frequency). This sequence change replaces arginine, which is basic and polar, with histidine, which is basic and polar, at codon 59 of the WT1 protein (p.Arg59His).

NM_024426.6(WT1):c.191G>A (p.Arg64His)

Genes: WT1 (WT1 transcription factor; minus strand), LOC107982234 (WT1/WT1-AS bi-directional promoter region; plus strand). Cytogenetic location: 11p13.
Variant type: single nucleotide variant.
Coding change: c.191G>A on transcript NM_024426.6 (MANE Select); coding-DNA position 191, G replaced by A.
Protein change: p.Arg64His; replaces arginine 64 with histidine.
Molecular consequence: missense variant. On other transcripts: non-coding transcript variant (1).
Genome position (GRCh38, 1-based): chr11:32,435,170, C>T on the plus strand (G>A on the coding strand, the complement: WT1 is on the minus strand). VCF-style: chr11-32435170-C-T. GRCh37 (hg19) VCF-style: chr11-32456716-C-T.
Other names: c.191G>A, p.Arg64His (NM_000378.6, NM_024424.5); c.176G>A (NM_024426.4); short protein forms R64H.
Identifiers: ClinVar variation 1010009 (VCV001010009.10), dbSNP rs1853471149, ClinGen allele CA379966193.
Genomic context (GRCh38, chr11:32,435,170, plus strand): 5'-AGCGCGTTCAGGTCCCGCACGTCGGAGCCCATTTGCTGCGGCTCAGACCCGGACGCCCCG[C>T]GGCTCCTCCGGCCCTGGAGACGTTCAGCGCTGGCCTCGGCGGCGCCTAACTTGGCCCAGA-3'
Protein context (NP_077744.4, residues 54-74): SAERLQGRRS[Arg64His]GASGSEPQQM